The following is an entry in ClinVar:

ClinVar aggregate classification (germline): Conflicting classifications of pathogenicity. Review status: criteria provided, conflicting classifications (1 of 4 stars). 3 submissions from 3 submitters: Uncertain significance (1); Likely benign (1). 1 of the submissions does not count toward it. Last evaluated 2025-09-17.

Conditions:
ITGB4-related disorder. Also called: ITGB4-related condition.
Junctional epidermolysis bullosa with pyloric atresia. Also called: ITGB4-Related Epidermolysis Bullosa with Pyloric Atresia; ITGA6-Related Epidermolysis Bullosa with Pyloric Atresia; EPIDERMOLYSIS BULLOSA, JUNCTIONAL 5B, WITH PYLORIC ATRESIA; APLASIA CUTIS CONGENITA WITH GASTROINTESTINAL ATRESIA; CARMI SYNDROME; EB-PA-ACC. Identifiers: Orphanet 79403, MedGen C5676875, MONDO:0009183, OMIM 226730.

Allele frequency attached by ClinVar (database versions not stated): gnomAD exomes 0.00003 and 0.00009; ExAC 0.00013; 1000 Genomes Project 30x 0.00016; 1000 Genomes Project 0.00020; gnomAD 0.00037 and 0.00039; TOPMed 0.00044; ESP Exome Variant Server 0.00046.
gnomAD v4.1: 98 of 1,613,394 alleles (0.0061%); highest among the groups gnomAD compares: African/African-American, 0.12%; no homozygotes.

Submissions (3):

Labcorp Genetics (formerly Invitae), Labcorp
Classification: Likely benign. Last evaluated: 2025-09-17. Review status: criteria provided, single submitter. Criteria: Invitae Variant Classification Sherloc (09022015). Collection method: clinical testing. Allele origin: germline.

Illumina Laboratory Services, Illumina
Classification: Uncertain significance for Junctional epidermolysis bullosa with pyloric atresia. Last evaluated: 2018-01-13. Review status: criteria provided, single submitter. Criteria: ICSL Variant Classification Criteria 13 December 2019. Collection method: clinical testing. Allele origin: germline.

PreventionGenetics, part of Exact Sciences
Classification: Likely benign for ITGB4-related condition. Last evaluated: 2019-06-26. Review status: no assertion criteria provided. Collection method: clinical testing. Allele origin: germline. Not counted in ClinVar's aggregate classification.
Comment: This variant is classified as likely benign based on ACMG/AMP sequence variant interpretation guidelines (Richards et al. 2015 PMID: 25741868, with internal and published modifications).

NM_000213.5(ITGB4):c.1095G>A (p.Arg365=)

Gene: ITGB4 (integrin subunit beta 4; plus strand). Cytogenetic location: 17q25.1.
Variant type: single nucleotide variant.
Coding change: c.1095G>A on transcript NM_000213.5 (MANE Select); coding-DNA position 1095, G replaced by A.
Protein change: p.Arg365=; no amino-acid change (arginine 365 retained).
Molecular consequence: synonymous variant.
Genome position (GRCh38, 1-based): chr17:75,731,248, G>A. VCF-style: chr17-75731248-G-A. GRCh37 (hg19) VCF-style: chr17-73727329-G-A.
Other names: c.1095G>A, p.Arg365= (NM_001005619.2, NM_001005731.3, NM_001321123.2).
Identifiers: ClinVar variation 325131 (VCV000325131.14), dbSNP rs141970956, ClinGen allele CA8768879.